The following is an entry in ClinVar:

NM_001370259.2(MEN1):c.474del (p.Phe159fs)

Gene: MEN1 (menin 1; minus strand). Cytogenetic location: 11q13.1.
Variant type: Deletion.
Coding change: c.474del on transcript NM_001370259.2 (MANE Select); coding-DNA position 474, one base deleted (C; older notation c.474delC).
Protein change: p.Phe159fs; shifts the reading frame from phenylalanine 159.
Molecular consequence: frameshift variant.
Genome position (GRCh38, 1-based): chr11:64,808,071, G deleted on the plus strand (C on the coding strand, the reverse complement: MEN1 is on the minus strand); the first of 2 consecutive G bases (chr11:64,808,071-64,808,072); deleting either gives the same sequence. VCF-style (leftmost placement, unchanged base first): chr11-64808070-AG-A. GRCh37 (hg19) VCF-style: chr11-64575542-AG-A.
Other names: c.489del, p.Phe164fs (NM_130800.3, NM_130801.3, NM_130802.3 and 3 more transcripts); c.474del, p.Phe159fs (NM_001370251.2, NM_001370260.2, NM_001370261.2 and 3 more transcripts); short protein forms F159fs, F164fs.
Identifiers: ClinVar variation 1072351 (VCV001072351.8), dbSNP rs2136158237, ClinGen allele CA2499221165.

ClinVar aggregate classification (germline): Pathogenic (1 of 4 stars; one submission).

Conditions:
Multiple endocrine neoplasia, type 1 (MEN1). Also called: MEN I; WERMER SYNDROME; Endocrine adenomatosis multiple; MEN 1; MEA I. Identifiers: Orphanet 652, MedGen C0025267, MeSH D018761, MONDO:0007540, OMIM 131100.

Submission:

Labcorp Genetics (formerly Invitae), Labcorp
Classification: Pathogenic for Multiple endocrine neoplasia, type 1. Last evaluated: 2020-08-14. Review status: criteria provided, single submitter. Criteria: Invitae Variant Classification Sherloc (09022015). Collection method: clinical testing. Allele origin: germline.
Comment: For these reasons, this variant has been classified as Pathogenic. Loss-of-function variants in MEN1 are known to be pathogenic (PMID: 12112656, 17853334). This variant has not been reported in the literature in individuals with MEN1-related conditions. This variant is not present in population databases (ExAC no frequency). This sequence change creates a premature translational stop signal (p.Phe159Leufs*26) in the MEN1 gene. It is expected to result in an absent or disrupted protein product.

Literature cited by the submitters: PubMed 12112656; PubMed 17853334.